The following is an entry in ClinVar:

NM_001126121.2(SLC25A19):c.890G>C (p.Gly297Ala)

Genes: MIF4GD-DT (MIF4GD divergent transcript; plus strand), SLC25A19 (solute carrier family 25 member 19; minus strand). Cytogenetic location: 17q25.1.
Variant type: single nucleotide variant.
Coding change: c.890G>C on transcript NM_001126121.2 (MANE Select); coding-DNA position 890, G replaced by C.
Protein change: p.Gly297Ala; replaces glycine 297 with alanine.
Molecular consequence: missense variant. On other transcripts: non-coding transcript variant (1).
Genome position (GRCh38, 1-based): chr17:75,273,524, C>G on the plus strand (G>C on the coding strand, the complement: SLC25A19 is on the minus strand). VCF-style: chr17-75273524-C-G. GRCh37 (hg19) VCF-style: chr17-73269605-C-G.
Other names: c.890G>C, p.Gly297Ala (NM_001126122.2, NM_021734.5); short protein forms G297A.
Identifiers: ClinVar variation 4696146 (VCV004696146.1).

ClinVar aggregate classification (germline): Uncertain significance (1 of 4 stars; one submission).

Submission:

Labcorp Genetics (formerly Invitae), Labcorp
Classification: Uncertain significance. Last evaluated: 2025-12-15. Review status: criteria provided, single submitter. Criteria: Invitae Variant Classification Sherloc (09022015). Collection method: clinical testing. Allele origin: germline.
Comment: This sequence change replaces glycine, which is neutral and non-polar, with alanine, which is neutral and non-polar, at codon 297 of the SLC25A19 protein (p.Gly297Ala). This variant is not present in population databases (gnomAD no frequency). This variant has not been reported in the literature in individuals affected with SLC25A19-related conditions. Invitae Evidence Modeling of protein sequence and biophysical properties (such as structural, functional, and spatial information, amino acid conservation, physicochemical variation, residue mobility, and thermodynamic stability) indicates that this missense variant is not expected to disrupt SLC25A19 protein function with a negative predictive value of 80%. In summary, the available evidence is currently insufficient to determine the role of this variant in disease. Therefore, it has been classified as a Variant of Uncertain Significance.